The following is an entry in ClinVar:

ClinVar aggregate classification (germline): Uncertain significance (1 of 4 stars; one submission).

Conditions:
Exudative vitreoretinopathy 1 (EVR1). Also called: FEVR, AUTOSOMAL DOMINANT; Familial exudative vitreoretinopathy, autosomal dominant; CRISWICK-SCHEPENS SYNDROME. Identifiers: Orphanet 891, Orphanet 90050, MedGen C1851402, MONDO:0007589, OMIM 133780.

Submission:

Genetics Department, University Hospital of Toulouse
Classification: Uncertain significance for Exudative vitreoretinopathy 1. Last evaluated: 2020-11-26. Review status: criteria provided, single submitter. Criteria: ACMG Guidelines, 2015. Collection method: clinical testing. Allele origin: germline. Affected: no. Observed: 1 variant allele.
Comment: PM1, PM2, PP3.

NM_012193.4(FZD4):c.1468A>T (p.Thr490Ser)

Genes: PRSS23 (serine protease 23; plus strand), FZD4 (frizzled class receptor 4; minus strand). Cytogenetic location: 11q14.2.
Variant type: single nucleotide variant.
Coding change: c.1468A>T on transcript NM_012193.4 (MANE Select); coding-DNA position 1468, A replaced by T.
Protein change: p.Thr490Ser; replaces threonine 490 with serine.
Molecular consequence: missense variant. On other transcripts: non-coding transcript variant (2).
Genome position (GRCh38, 1-based): chr11:86,951,288, T>A on the plus strand (A>T on the coding strand, the complement: FZD4 is on the minus strand). VCF-style: chr11-86951288-T-A. GRCh37 (hg19) VCF-style: chr11-86662330-T-A.
Other names: short protein forms T490S.
Identifiers: ClinVar variation 988079 (VCV000988079.2), dbSNP rs765834466, ClinGen allele CA382011140.
Genomic context (GRCh38, chr11:86,951,288, plus strand): 5'-TGTTGGAACACTTCTGCCACGTGTGAAGAGTTTTGGCAGACCAAATCCACATGCCTGAAG[T>A]GATGCCCACCAACAAAGACATAAAAATTTTCAACATTTCAACAGCCATGTTGGAATCATC-3'
Protein context (NP_036325.2, residues 480-500): KIFMSLLVGI[Thr490Ser]SGMWIWSAKT